The following is an entry in ClinVar:

ClinVar aggregate classification (germline): Pathogenic (1 of 4 stars; one submission).

Conditions:
Retinal dystrophy. Also called: Inherited retinal dystrophy. Identifiers: Orphanet 71862, MedGen C0854723, MeSH D058499, MONDO:0019118, HP:0000556.

Submission:

Ophthalmic Genetics Group, Institute of Molecular and Clinical Ophthalmology Basel
Classification: Pathogenic for Retinal dystrophy. Last evaluated: 2024-05-27. Review status: criteria provided, single submitter. Criteria: ACMG Guidelines, 2015. Collection method: research. Allele origin: germline. Affected: yes. Observed: 3 variant alleles.
Comment: This variant was classified as Pathogenic based on ACMG criteria: PVS1_very strong PM2_su and PP1_strong

Literature cited by the submitters: PubMed 40180963.

NM_001201543.2(FAM161A):c.1440del (p.Glu481fs)

Gene: FAM161A (FAM161 centrosomal protein A; minus strand). Cytogenetic location: 2p15.
Variant type: Deletion.
Coding change: c.1440del on transcript NM_001201543.2 (MANE Select); coding-DNA position 1440, one base deleted (A; older notation c.1440delA).
Protein change: p.Glu481fs; shifts the reading frame from glutamic acid 481.
Molecular consequence: frameshift variant. On other transcripts: non-coding transcript variant (1).
Genome position (GRCh38, 1-based): chr2:61,839,564, T deleted on the plus strand (A on the coding strand, the reverse complement: FAM161A is on the minus strand); the first of 2 consecutive T bases (chr2:61,839,564-61,839,565); deleting either gives the same sequence. VCF-style (leftmost placement, unchanged base first): chr2-61839563-CT-C. GRCh37 (hg19) VCF-style: chr2-62066698-CT-C.
Other names: NC_000002.11:g.62066700del; NP_001188472.1:p.(Glu481LysfsTer3); c.1440del, p.Glu481fs (NM_032180.3); short protein forms E481fs.
Identifiers: ClinVar variation 3381793 (VCV003381793.2).